The following is an entry in ClinVar:

ClinVar aggregate classification (germline): Conflicting classifications of pathogenicity. Review status: criteria provided, conflicting classifications (1 of 4 stars). 2 submissions from 2 submitters: Uncertain significance (1); Likely benign (1). Last evaluated 2025-12-15.

Conditions:
Inborn genetic diseases. Identifiers: MedGen C0950123, MeSH D030342.
Cerebral folate transport deficiency. Also called: FOLATE RECEPTOR DEFICIENCY; FOLR1-Related Cerebral Folate Transport Deficiency; NEURODEGENERATION DUE TO CEREBRAL FOLATE TRANSPORT DEFICIENCY; Cerebral folate deficiency syndrome; Neurodegenerative syndrome due to cerebral folate transport deficiency. Identifiers: Orphanet 217382, MedGen C2751584, MONDO:0013110, OMIM 613068. Disease mechanism: loss of function.

Allele frequency attached by ClinVar (database versions not stated): gnomAD exomes below 0.00001; TOPMed below 0.00001.
gnomAD v4.1: 2 of 1,614,226 alleles (0.00012%); highest among the groups gnomAD compares: Admixed American, 0.0017%; no homozygotes.

Submissions (2):

Ambry Genetics
Classification: Likely benign for Inborn genetic diseases. Last evaluated: 2025-12-15. Review status: criteria provided, single submitter. Criteria: Ambry Variant Classification Scheme 2023. Collection method: clinical testing. Allele origin: germline.

Labcorp Genetics (formerly Invitae), Labcorp
Classification: Uncertain significance for Cerebral folate transport deficiency. Last evaluated: 2019-12-13. Review status: criteria provided, single submitter. Criteria: Invitae Variant Classification Sherloc (09022015). Collection method: clinical testing. Allele origin: germline.
Comment: This sequence change replaces valine with isoleucine at codon 78 of the FOLR1 protein (p.Val78Ile). The valine residue is weakly conserved and there is a small physicochemical difference between valine and isoleucine. This variant is not present in population databases (ExAC no frequency). This variant has not been reported in the literature in individuals with FOLR1-related conditions. Algorithms developed to predict the effect of missense changes on protein structure and function output the following: SIFT: "Tolerated"; PolyPhen-2: "Benign"; Align-GVGD: "Class C0". The isoleucine amino acid residue is found in multiple mammalian species, suggesting that this missense change does not adversely affect protein function. These predictions have not been confirmed by published functional studies and their clinical significance is uncertain. In summary, the available evidence is currently insufficient to determine the role of this variant in disease. Therefore, it has been classified as a Variant of Uncertain Significance.

NM_016729.3(FOLR1):c.232G>A (p.Val78Ile)

Genes: FOLR1 (folate receptor alpha; plus strand), FOLR1-AS1 (FOLR1 antisense RNA 1; minus strand). Cytogenetic location: 11q13.4.
Variant type: single nucleotide variant.
Coding change: c.232G>A on transcript NM_016729.3 (MANE Select); coding-DNA position 232, G replaced by A.
Protein change: p.Val78Ile; replaces valine 78 with isoleucine.
Molecular consequence: missense variant.
Genome position (GRCh38, 1-based): chr11:72,195,334, G>A. VCF-style: chr11-72195334-G-A. GRCh37 (hg19) VCF-style: chr11-71906378-G-A.
Other names: c.232G>A, p.Val78Ile (NM_000802.3, NM_016724.3, NM_016725.3); short protein forms V78I.
Identifiers: ClinVar variation 855735 (VCV000855735.10), dbSNP rs1417053720, ClinGen allele CA381732052.
Genomic context (GRCh38, chr11:72,195,334, plus strand): 5'-CGACCCTGGAGGAAGAATGCCTGCTGTTCTACCAACACCAGCCAGGAAGCCCATAAGGAT[G>A]TTTCCTACCTATATAGATTCAACTGGAACCACTGTGGAGAGATGGCACCTGCCTGCAAAC-3'
Protein context (NP_057941.1, residues 68-88): TNTSQEAHKD[Val78Ile]SYLYRFNWNH